The following is an entry in ClinVar:

NM_005802.5(TOPORS):c.2890A>G (p.Lys964Glu)

Gene: TOPORS (TOP1 binding arginine/serine rich protein, E3 ubiquitin ligase; minus strand). Cytogenetic location: 9p21.1.
Variant type: single nucleotide variant.
Coding change: c.2890A>G on transcript NM_005802.5 (MANE Select); coding-DNA position 2890, A replaced by G.
Protein change: p.Lys964Glu; replaces lysine 964 with glutamic acid.
Molecular consequence: missense variant.
Genome position (GRCh38, 1-based): chr9:32,541,635, T>C on the plus strand (A>G on the coding strand, the complement: TOPORS is on the minus strand). VCF-style: chr9-32541635-T-C. GRCh37 (hg19) VCF-style: chr9-32541633-T-C.
Other names: c.2695A>G, p.Lys899Glu (NM_001195622.2); short protein forms K964E, K899E.
Identifiers: ClinVar variation 1385029 (VCV001385029.6), dbSNP rs1292633801, ClinGen allele CA373160142.

ClinVar aggregate classification (germline): Uncertain significance (1 of 4 stars; one submission).

Allele frequency attached by ClinVar (database versions not stated): TOPMed 0.00003; gnomAD 0.00001.
gnomAD v4.1: 2 of 1,614,112 alleles (0.00012%); highest among the groups gnomAD compares: African/African-American, 0.0027%; no homozygotes.

Submission:

Labcorp Genetics (formerly Invitae), Labcorp
Classification: Uncertain significance. Last evaluated: 2025-01-27. Review status: criteria provided, single submitter. Criteria: Invitae Variant Classification Sherloc (09022015). Collection method: clinical testing. Allele origin: germline.
Comment: This sequence change replaces lysine, which is basic and polar, with glutamic acid, which is acidic and polar, at codon 964 of the TOPORS protein (p.Lys964Glu). This variant is not present in population databases (gnomAD no frequency). This variant has not been reported in the literature in individuals affected with TOPORS-related conditions. ClinVar contains an entry for this variant (Variation ID: 1385029). Experimental studies and prediction algorithms are not available or were not evaluated, and the functional significance of this variant is currently unknown. In summary, the available evidence is currently insufficient to determine the role of this variant in disease. Therefore, it has been classified as a Variant of Uncertain Significance.